The following is an entry in ClinVar:

ClinVar aggregate classification (germline): Conflicting classifications of pathogenicity. Review status: criteria provided, conflicting classifications (1 of 4 stars). 3 submissions from 3 submitters: Uncertain significance (2); Likely benign (1). Last evaluated 2025-12-15.

Conditions:
Neurodevelopmental disorder and structural brain anomalies with or without seizures and spasticity. Identifiers: MedGen C5394423, MONDO:0030046, OMIM 618890.
Inborn genetic diseases. Identifiers: MedGen C0950123, MeSH D030342.

Allele frequency attached by ClinVar (database versions not stated): 1000 Genomes Project 30x 0.00016; 1000 Genomes Project 0.00020; ESP Exome Variant Server 0.00054.

Submissions (3):

Labcorp Genetics (formerly Invitae), Labcorp
Classification: Likely benign. Last evaluated: 2025-12-15. Review status: criteria provided, single submitter. Criteria: Invitae Variant Classification Sherloc (09022015). Collection method: clinical testing. Allele origin: germline.

Revvity Omics, Revvity
Classification: Uncertain significance for Neurodevelopmental disorder and structural brain anomalies with or without seizures and spasticity. Last evaluated: 2021-10-13. Review status: criteria provided, single submitter. Criteria: ACMG Guidelines, 2015. Collection method: clinical testing. Allele origin: germline.

Ambry Genetics
Classification: Uncertain significance for Inborn genetic diseases. Last evaluated: 2021-06-11. Review status: criteria provided, single submitter. Criteria: Ambry Variant Classification Scheme 2023. Collection method: clinical testing. Allele origin: germline.
Comment: The c.3773C>T (p.P1258L) alteration is located in exon 20 (coding exon 20) of the PTPN23 gene. This alteration results from a C to T substitution at nucleotide position 3773, causing the proline (P) at amino acid position 1258 to be replaced by a leucine (L). The p.P1258L alteration is predicted to be tolerated by in silico analysis. Based on insufficient or conflicting evidence, the clinical significance of this alteration remains unclear.

NM_015466.4(PTPN23):c.3773C>T (p.Pro1258Leu)

Gene: PTPN23 (protein tyrosine phosphatase non-receptor type 23; plus strand). Cytogenetic location: 3p21.31.
Variant type: single nucleotide variant.
Coding change: c.3773C>T on transcript NM_015466.4 (MANE Select); coding-DNA position 3773, C replaced by T.
Protein change: p.Pro1258Leu; replaces proline 1258 with leucine.
Molecular consequence: missense variant.
Genome position (GRCh38, 1-based): chr3:47,411,571, C>T. VCF-style: chr3-47411571-C-T. GRCh37 (hg19) VCF-style: chr3-47453061-C-T.
Other names: c.3395C>T, p.Pro1132Leu (NM_001304482.2); short protein forms P1258L, P1132L.
Identifiers: ClinVar variation 1574874 (VCV001574874.12), dbSNP rs146178681, ClinGen allele CA2366346.